The following is an entry in ClinVar:

ClinVar aggregate classification (germline): Uncertain significance. Review status: criteria provided, single submitter (1 of 4 stars). 2 submissions from 2 submitters: Uncertain significance (1). 1 of the submissions does not count toward it. Last evaluated 2022-05-17.

Allele frequency attached by ClinVar (database versions not stated): ExAC 0.00002.
gnomAD v4.1: 4 of 1,614,080 alleles (0.00025%); highest among the groups gnomAD compares: Admixed American, 0.0067%; no homozygotes.

Submissions (2):

Labcorp Genetics (formerly Invitae), Labcorp
Classification: Uncertain significance. Last evaluated: 2022-05-17. Review status: criteria provided, single submitter. Criteria: Invitae Variant Classification Sherloc (09022015). Collection method: clinical testing. Allele origin: germline.
Comment: This sequence change replaces glutamic acid, which is acidic and polar, with aspartic acid, which is acidic and polar, at codon 162 of the KIAA0556 protein (p.Glu162Asp). This variant is present in population databases (rs763258327, gnomAD 0.009%). This variant has not been reported in the literature in individuals affected with KIAA0556-related conditions. Algorithms developed to predict the effect of missense changes on protein structure and function are either unavailable or do not agree on the potential impact of this missense change (SIFT: "Deleterious"; PolyPhen-2: "Probably Damaging"; Align-GVGD: "Class C0"). In summary, the available evidence is currently insufficient to determine the role of this variant in disease. Therefore, it has been classified as a Variant of Uncertain Significance.

Genetic Services Laboratory, University of Chicago
Classification: Uncertain significance. Last evaluated: 2022-08-26. Review status: no assertion criteria provided. Collection method: clinical testing. Allele origin: germline. Affected: no. Not counted in ClinVar's aggregate classification.
Comment: DNA sequence analysis of the KIAA0556 gene demonstrated a sequence change, c.486G>C, in exon 6 that results in an amino acid change, p.Glu162Asp. This sequence change has been described in the gnomAD database in three individuals which corresponds to an overall population frequency of 0.0012% (dbSNP rs763258327). The p.Glu162Asp change affects a highly conserved amino acid residue located in a domain of the KIAA0556 protein that is not known to be functional. In-silico pathogenicity prediction tools (SIFT, PolyPhen2, Align GVGD, REVEL) provide contradictory results for the p.Glu162Asp substitution. This sequence change does not appear to have been previously described in individuals with KIAA0556-related disorders. Due to insufficient evidences and the lack of functional studies, the clinical significance of the p.Glu162Asp change remains unknown at this time.

NM_015202.5(KATNIP):c.486G>C (p.Glu162Asp)

Gene: KATNIP (katanin interacting protein; plus strand). Cytogenetic location: 16p12.1.
Variant type: single nucleotide variant.
Coding change: c.486G>C on transcript NM_015202.5 (MANE Select); coding-DNA position 486, G replaced by C.
Protein change: p.Glu162Asp; replaces glutamic acid 162 with aspartic acid.
Molecular consequence: missense variant.
Genome position (GRCh38, 1-based): chr16:27,648,681, G>C. VCF-style: chr16-27648681-G-C. GRCh37 (hg19) VCF-style: chr16-27660002-G-C.
Other names: c.486G>C (NM_015202.3); short protein forms E162D.
Identifiers: ClinVar variation 2163367 (VCV002163367.3), dbSNP rs763258327, ClinGen allele CA7977333.